The following is an entry in ClinVar:

ClinVar aggregate classification (germline): Pathogenic/Likely pathogenic. Review status: criteria provided, multiple submitters, no conflicts (2 of 4 stars). 5 submissions from 5 submitters: Pathogenic (3); Likely pathogenic (1). 1 of the submissions does not count toward it. Last evaluated 2024-10-28.

Conditions:
Familial hyperinsulinemia.
Hyperinsulinism-hyperammonemia syndrome (HHF6). Identifiers: Orphanet 35878, MedGen C1847555, MONDO:0011717, OMIM 606762.

Submissions (5):

GeneDx
Classification: Pathogenic. Last evaluated: 2024-10-28. Review status: criteria provided, single submitter. Criteria: GeneDx Variant Classification Process June 2021. Collection method: clinical testing. Allele origin: germline. Affected: yes.
Comment: Published functional studies demonstrate greater residual enzyme activity that results in decreased sensitivity to GTP-induced inhibition (PMID: 9571255); In silico analysis supports that this missense variant has a deleterious effect on protein structure/function; Not observed at significant frequency in large population cohorts (gnomAD); This variant is associated with the following publications: (PMID: 30367518, 37520762, 38673928, 30352420, 36721237, 26839063, 12475785, 21130127, 16574664, 23281078, 28165182, 9571255, 25024374)

Labcorp Genetics (formerly Invitae), Labcorp
Classification: Pathogenic for Hyperinsulinism-hyperammonemia syndrome. Last evaluated: 2021-11-11. Review status: criteria provided, single submitter. Criteria: Invitae Variant Classification Sherloc (09022015). Collection method: clinical testing. Allele origin: germline.
Comment: This sequence change replaces histidine, which is basic and polar, with tyrosine, which is neutral and polar, at codon 507 of the GLUD1 protein (p.His507Tyr). This variant is not present in population databases (gnomAD no frequency). This missense change has been observed in individual(s) with familial hyperinsulinism-hyperammonemia syndrome (PMID: 9571225, 26839063, 30252420; Invitae). In at least one individual the variant was observed to be de novo. This variant is also known as p.H454Y. ClinVar contains an entry for this variant (Variation ID: 16121). Algorithms developed to predict the effect of missense changes on protein structure and function are either unavailable or do not agree on the potential impact of this missense change (SIFT: "Not Available"; PolyPhen-2: "Benign"; Align-GVGD: "Not Available"). For these reasons, this variant has been classified as Pathogenic.

Molecular Diagnostics Laboratory, M Health Fairview: University of Minnesota
Classification: Pathogenic for Familial hyperinsulinemia. Last evaluated: 2016-09-17. Review status: criteria provided, single submitter. Criteria: ACMG Guidelines, 2015. Collection method: clinical testing. Allele origin: germline. Affected: yes. Observed: 1 variant allele.

Suma Genomics
Classification: Likely pathogenic for Hyperinsulinism-hyperammonemia syndrome. Review status: criteria provided, single submitter. Criteria: ACMG Guidelines, 2015. Collection method: clinical testing. Allele origin: germline. Inheritance: Autosomal dominant inheritance. Affected: yes.

OMIM
Classification: Pathogenic for HYPERINSULINEMIC HYPOGLYCEMIA, FAMILIAL, 6. Last evaluated: 2018-02-12. Review status: no assertion criteria provided. Collection method: literature only. Allele origin: germline. Not counted in ClinVar's aggregate classification.

Literature cited by the submitters: PubMed 9571225 (cited by Labcorp Genetics (formerly Invitae), Labcorp); PubMed 26839063 (cited by Labcorp Genetics (formerly Invitae), Labcorp); PubMed 30252420 (cited by Labcorp Genetics (formerly Invitae), Labcorp); PubMed 9571255 (cited by Molecular Diagnostics Laboratory, M Health Fairview: University of Minnesota); Stanley, C. A., Lieu, Y., Hsu, B., Poncz, M. Hypoglycemia in infants with hyperinsulinism and hyperammonemia: gain of function mutations in the pathway of leucine-mediated insulin secretion. (Abstract) Diabetes 46 (suppl. 1): 217A-only, 1997. (cited by OMIM).

NM_005271.5(GLUD1):c.1519C>T (p.His507Tyr)

Gene: GLUD1 (glutamate dehydrogenase 1; minus strand). Cytogenetic location: 10q23.2.
Variant type: single nucleotide variant.
Coding change: c.1519C>T on transcript NM_005271.5 (MANE Select); coding-DNA position 1519, C replaced by T.
Protein change: p.His507Tyr; replaces histidine 507 with tyrosine.
Molecular consequence: missense variant.
Genome position (GRCh38, 1-based): chr10:87,053,380, G>A on the plus strand (C>T on the coding strand, the complement: GLUD1 is on the minus strand). VCF-style: chr10-87053380-G-A. GRCh37 (hg19) VCF-style: chr10-88813137-G-A.
Other names: H454Y; c.1120C>T, p.His374Tyr (NM_001318900.1); c.1018C>T, p.His340Tyr (NM_001318901.1, NM_001318902.1, NM_001318904.2 and 2 more transcripts); short protein forms H507Y, H340Y, H374Y.
Identifiers: ClinVar variation 16121 (VCV000016121.10), dbSNP rs121909730, ClinGen allele CA257423.